The following is an entry in ClinVar:

NM_002303.6(LEPR):c.2674-5826A>T

Gene: LEPR (leptin receptor; plus strand). Cytogenetic location: 1p31.3.
Variant type: single nucleotide variant.
Coding change: c.2674-5826A>T on transcript NM_002303.6 (MANE Select); 5826 bases into the intron before coding-DNA position 2674, A replaced by T.
Molecular consequence: intron variant. On other transcripts: missense variant (2).
Genome position (GRCh38, 1-based): chr1:65,630,365, A>T. VCF-style: chr1-65630365-A-T. GRCh37 (hg19) VCF-style: chr1-66096048-A-T.
Other names: c.2837A>T, p.Asp946Val (NM_001003680.3, NM_001198687.2); c.2674-2787A>T (NM_001003679.3, NM_001198689.2); short protein forms D946V.
Identifiers: ClinVar variation 3357923 (VCV003357923.2).

ClinVar aggregate classification (germline): Uncertain significance (1 of 4 stars; one submission).

Conditions:
LEPR-related disorder. Also called: LEPR-related disorders; LEPR-related condition.

Submission:

PreventionGenetics, part of Exact Sciences
Classification: Uncertain significance for LEPR-related condition. Last evaluated: 2025-08-06. Review status: criteria provided, single submitter. Criteria: ACMG Guidelines, 2015. Collection method: clinical testing. Allele origin: germline.
Comment: The LEPR c.2837A>T variant is predicted to result in the amino acid substitution p.Asp946Val. In the canonical transcript, this variant is deep intronic (referred to as c.2674-5826A>T in NM_002303). To our knowledge, this variant has not been reported in the literature or in a large population database, indicating this variant is rare. At this time, the clinical significance of this variant is uncertain due to the absence of conclusive functional and genetic evidence.